The following is an entry in ClinVar:

NM_001077415.3(CRELD1):c.983A>G (p.Tyr328Cys)

Gene: CRELD1 (CRELD disulfide isomerase 1; plus strand). Cytogenetic location: 3p25.3.
Variant type: single nucleotide variant.
Coding change: c.983A>G on transcript NM_001077415.3 (MANE Select); coding-DNA position 983, A replaced by G.
Protein change: p.Tyr328Cys; replaces tyrosine 328 with cysteine.
Molecular consequence: missense variant. On other transcripts: non-coding transcript variant (3).
Genome position (GRCh38, 1-based): chr3:9,943,450, A>G. VCF-style: chr3-9943450-A-G. GRCh37 (hg19) VCF-style: chr3-9985134-A-G.
Other names: c.983A>G, p.Tyr328Cys (NM_001031717.4, NM_001374316.1, NM_001374317.1 and 3 more transcripts); c.899A>G, p.Tyr300Cys (NM_001374319.1, NM_001374320.1); short protein forms Y300C, Y328C.
Identifiers: ClinVar variation 1809978 (VCV001809978.2), dbSNP rs1460929476, ClinGen allele CA351726403.

ClinVar aggregate classification (germline): Uncertain significance. Review status: criteria provided, multiple submitters, no conflicts (2 of 4 stars). 2 submissions from 2 submitters: Uncertain significance (2). Last evaluated 2025-11-22.

Conditions:
CRELD1-related disorder. Also called: CRELD1-related condition.

Submissions (2):

PreventionGenetics, part of Exact Sciences
Classification: Uncertain significance for CRELD1-related condition. Last evaluated: 2025-11-22. Review status: criteria provided, single submitter. Criteria: ACMG Guidelines, 2015. Collection method: clinical testing. Allele origin: germline.
Comment: The CRELD1 c.983A>G variant is predicted to result in the amino acid substitution p.Tyr328Cys. To our knowledge, this variant has not been reported in the literature or in a large population database (gnomAD), indicating this variant is rare. At this time, the clinical significance of this variant is uncertain due to the absence of conclusive functional and genetic evidence.

GeneDx
Classification: Uncertain significance. Last evaluated: 2022-07-01. Review status: criteria provided, single submitter. Criteria: GeneDx Variant Classification Process June 2021. Collection method: clinical testing. Allele origin: germline. Affected: yes.
Comment: Not observed at significant frequency in large population cohorts (gnomAD); In silico analysis supports that this missense variant has a deleterious effect on protein structure/function; Has not been previously published as pathogenic or benign to our knowledge